The following is an entry in ClinVar:

NM_002430.3(MN1):c.2743G>C (p.Gly915Arg)

Gene: MN1 (MN1 proto-oncogene, transcriptional regulator; minus strand). Cytogenetic location: 22q12.1.
Variant type: single nucleotide variant.
Coding change: c.2743G>C on transcript NM_002430.3 (MANE Select); coding-DNA position 2743, G replaced by C.
Protein change: p.Gly915Arg; replaces glycine 915 with arginine.
Molecular consequence: missense variant.
Genome position (GRCh38, 1-based): chr22:27,797,801, C>G on the plus strand (G>C on the coding strand, the complement: MN1 is on the minus strand). VCF-style: chr22-27797801-C-G. GRCh37 (hg19) VCF-style: chr22-28193789-C-G.
Other names: short protein forms G915R.
Identifiers: ClinVar variation 2499369 (VCV002499369.2), dbSNP rs2146316074, ClinGen allele CA411044567.

ClinVar aggregate classification (germline): Uncertain significance. Review status: criteria provided, multiple submitters, no conflicts (2 of 4 stars). 2 submissions from 2 submitters: Uncertain significance (2). Last evaluated 2022-12-09.

Conditions:
MN1-related disorder. Also called: MN1-related condition.

gnomAD v4.1: 5 of 1,595,780 alleles (0.00031%); highest among the groups gnomAD compares: South Asian, 0.0023%; no homozygotes.

Submissions (2):

PreventionGenetics, part of Exact Sciences
Classification: Uncertain significance for MN1-related condition. Last evaluated: 2022-12-09. Review status: criteria provided, single submitter. Criteria: ACMG Guidelines, 2015. Collection method: clinical testing. Allele origin: germline.
Comment: The MN1 c.2743G>C variant is predicted to result in the amino acid substitution p.Gly915Arg. To our knowledge, this variant has not been reported in the literature or in a large population database, indicating this variant is rare. At this time, the clinical significance of this variant is uncertain due to the absence of conclusive functional and genetic evidence.

GeneDx
Classification: Uncertain significance. Last evaluated: 2022-10-14. Review status: criteria provided, single submitter. Criteria: GeneDx Variant Classification Process June 2021. Collection method: clinical testing. Allele origin: germline. Affected: yes.
Comment: Not observed at significant frequency in large population cohorts (gnomAD); In silico analysis supports that this missense variant has a deleterious effect on protein structure/function; Has not been previously published as pathogenic or benign to our knowledge